The following is an entry in ClinVar:

NM_001846.4(COL4A2):c.1452A>T (p.Arg484Ser)

Genes: COL4A2 (collagen type IV alpha 2 chain; plus strand), COL4A2-AS2 (COL4A2 antisense RNA 2; minus strand). Cytogenetic location: 13q34.
Variant type: single nucleotide variant.
Coding change: c.1452A>T on transcript NM_001846.4 (MANE Select); coding-DNA position 1452, A replaced by T.
Protein change: p.Arg484Ser; replaces arginine 484 with serine.
Molecular consequence: missense variant.
Genome position (GRCh38, 1-based): chr13:110,458,790, A>T. VCF-style: chr13-110458790-A-T. GRCh37 (hg19) VCF-style: chr13-111111137-A-T.
Other names: short protein forms R484S.
Identifiers: ClinVar variation 2890153 (VCV002890153.3), dbSNP rs747342940, ClinGen allele CA388736230.

ClinVar aggregate classification (germline): Uncertain significance (1 of 4 stars; one submission).

gnomAD v4.1: 4 of 1,613,972 alleles (0.00025%); highest among the groups gnomAD compares: Admixed American, 0.0017%; no homozygotes.

Submission:

Labcorp Genetics (formerly Invitae), Labcorp
Classification: Uncertain significance. Last evaluated: 2024-01-19. Review status: criteria provided, single submitter. Criteria: Invitae Variant Classification Sherloc (09022015). Collection method: clinical testing. Allele origin: germline.
Comment: This sequence change replaces arginine, which is basic and polar, with serine, which is neutral and polar, at codon 484 of the COL4A2 protein (p.Arg484Ser). This variant is not present in population databases (gnomAD no frequency). This variant has not been reported in the literature in individuals affected with COL4A2-related conditions. Advanced modeling of protein sequence and biophysical properties (such as structural, functional, and spatial information, amino acid conservation, physicochemical variation, residue mobility, and thermodynamic stability) performed at Invitae indicates that this missense variant is not expected to disrupt COL4A2 protein function with a negative predictive value of 95%. In summary, the available evidence is currently insufficient to determine the role of this variant in disease. Therefore, it has been classified as a Variant of Uncertain Significance.